The following is an entry in ClinVar:

ClinVar aggregate classification (germline): Uncertain significance (1 of 4 stars; one submission).

Conditions:
Inborn genetic diseases. Identifiers: MedGen C0950123, MeSH D030342.

Allele frequency attached by ClinVar (database versions not stated): gnomAD exomes below 0.00001.
gnomAD v4.1: 4 of 1,614,116 alleles (0.00025%); highest among the groups gnomAD compares: Non-Finnish European, 0.00034%; no homozygotes.

Submission:

Ambry Genetics
Classification: Uncertain significance for Inborn genetic diseases. Last evaluated: 2022-08-08. Review status: criteria provided, single submitter. Criteria: Ambry Variant Classification Scheme 2023. Collection method: clinical testing. Allele origin: germline.
Comment: The p.P163R variant (also known as c.488C>G), located in coding exon 2 of the FGD4 gene, results from a C to G substitution at nucleotide position 488. The proline at codon 163 is replaced by arginine, an amino acid with dissimilar properties. This amino acid position is conserved. In addition, this alteration is predicted to be tolerated by in silico analysis. Since supporting evidence is limited at this time, the clinical significance of this alteration remains unclear.

NM_001370298.3(FGD4):c.899C>G (p.Pro300Arg)

Gene: FGD4 (FYVE, RhoGEF and PH domain containing 4; plus strand). Cytogenetic location: 12p11.21.
Variant type: single nucleotide variant.
Coding change: c.899C>G on transcript NM_001370298.3 (MANE Select); coding-DNA position 899, C replaced by G.
Protein change: p.Pro300Arg; replaces proline 300 with arginine.
Molecular consequence: missense variant. On other transcripts: 5 prime UTR variant (2), non-coding transcript variant (1), intron variant (1).
Genome position (GRCh38, 1-based): chr12:32,582,355, C>G. VCF-style: chr12-32582355-C-G. GRCh37 (hg19) VCF-style: chr12-32735289-C-G.
Other names: c.743C>G, p.Pro248Arg (NM_001304481.2); c.-357C>G (NM_001304483.2); c.-664C>G (NM_001304484.2); c.209C>G, p.Pro70Arg (NM_001330373.2, NM_001330374.2, NM_001384130.1); c.899C>G, p.Pro300Arg (NM_001384126.1); c.488C>G, p.Pro163Arg (NM_001384127.1, NM_001384128.1, NM_001384131.1 and 3 more transcripts); c.49-16142C>G (NM_001370297.1); short protein forms P70R, P248R, P300R, P163R.
Identifiers: ClinVar variation 1743844 (VCV001743844.2), dbSNP rs2540548466, ClinGen allele CA384356366.